The following is an entry in ClinVar:

NM_000388.4(CASR):c.534T>A (p.Asn178Lys)

Gene: CASR (calcium sensing receptor; plus strand). Cytogenetic location: 3q21.1.
Variant type: single nucleotide variant.
Coding change: c.534T>A on transcript NM_000388.4 (MANE Select); coding-DNA position 534, T replaced by A.
Protein change: p.Asn178Lys; replaces asparagine 178 with lysine.
Molecular consequence: missense variant.
Genome position (GRCh38, 1-based): chr3:122,261,569, T>A. VCF-style: chr3-122261569-T-A. GRCh37 (hg19) VCF-style: chr3-121980416-T-A.
Other names: c.534T>A, p.Asn178Lys (NM_001178065.2); short protein forms N178K.
Identifiers: ClinVar variation 2115069 (VCV002115069.4), dbSNP rs911063473, ClinGen allele CA82738217.

ClinVar aggregate classification (germline): Uncertain significance (1 of 4 stars; one submission).

Conditions:
Familial hypocalciuric hypercalcemia (FHH). Also called: Familial benign hypercalcemia. Identifiers: Orphanet 405, MedGen C1809471, MONDO:0018458.
Autosomal dominant hypocalcemia 1 (HYPOC1). Also called: HYPOCALCEMIA, FAMILIAL. Identifiers: MedGen C3715128, MONDO:0011013, OMIM 601198.

Submission:

Labcorp Genetics (formerly Invitae), Labcorp
Classification: Uncertain significance for Familial hypocalciuric hypercalcemia; Autosomal dominant hypocalcemia 1. Last evaluated: 2022-03-20. Review status: criteria provided, single submitter. Criteria: Invitae Variant Classification Sherloc (09022015). Collection method: clinical testing. Allele origin: germline.
Comment: This variant has not been reported in the literature in individuals affected with CASR-related conditions. This sequence change replaces asparagine, which is neutral and polar, with lysine, which is basic and polar, at codon 178 of the CASR protein (p.Asn178Lys). This variant is not present in population databases (gnomAD no frequency). Algorithms developed to predict the effect of missense changes on protein structure and function (SIFT, PolyPhen-2, Align-GVGD) all suggest that this variant is likely to be disruptive. This variant disrupts the p.Asn178 amino acid residue in CASR. Other variant(s) that disrupt this residue have been determined to be pathogenic (PMID: 8878438, 9039332; Invitae). This suggests that this residue is clinically significant, and that variants that disrupt this residue are likely to be disease-causing. In summary, the available evidence is currently insufficient to determine the role of this variant in disease. Therefore, it has been classified as a Variant of Uncertain Significance.

Literature cited by the submitters: PubMed 8878438; PubMed 9039332.